The following is an entry in ClinVar:

ClinVar aggregate classification (germline): Uncertain significance. Review status: criteria provided, multiple submitters, no conflicts (2 of 4 stars). 3 submissions from 3 submitters: Uncertain significance (3). Last evaluated 2025-04-29.

Conditions:
Pigmentary retinal dystrophy. Also called: Fundus albipunctatus. Identifiers: Orphanet 227796, Orphanet 52427, MedGen C0311338, MONDO:0007639, OMIM 136880, HP:0030642.
Inborn genetic diseases. Identifiers: MedGen C0950123, MeSH D030342.

Allele frequency attached by ClinVar (database versions not stated): gnomAD exomes 0.00004 and 0.00006; ExAC 0.00006; gnomAD 0.00007; TOPMed 0.00010.
gnomAD v4.1: 101 of 1,613,808 alleles (0.0063%); highest among the groups gnomAD compares: Middle Eastern, 0.016%; no homozygotes.

Submissions (3):

Ambry Genetics
Classification: Uncertain significance for Inborn genetic diseases. Last evaluated: 2025-04-29. Review status: criteria provided, single submitter. Criteria: Ambry Variant Classification Scheme 2023. Collection method: clinical testing. Allele origin: germline.

Blueprint Genetics
Classification: Uncertain significance. Last evaluated: 2023-01-31. Review status: criteria provided, single submitter. Criteria: ACMG Guidelines, 2015. Collection method: clinical testing. Allele origin: germline.

Labcorp Genetics (formerly Invitae), Labcorp
Classification: Uncertain significance. Last evaluated: 2022-07-26. Review status: criteria provided, single submitter. Criteria: Invitae Variant Classification Sherloc (09022015). Collection method: clinical testing. Allele origin: germline.
Comment: This sequence change replaces glycine, which is neutral and non-polar, with arginine, which is basic and polar, at codon 64 of the RDH5 protein (p.Gly64Arg). This variant is present in population databases (rs753970388, gnomAD 0.009%). This variant has not been reported in the literature in individuals affected with RDH5-related conditions. ClinVar contains an entry for this variant (Variation ID: 944300). Algorithms developed to predict the effect of missense changes on protein structure and function are either unavailable or do not agree on the potential impact of this missense change (SIFT: "Deleterious"; PolyPhen-2: "Probably Damaging"; Align-GVGD: "Class C0"). Algorithms developed to predict the effect of sequence changes on RNA splicing suggest that this variant may create or strengthen a splice site. In summary, the available evidence is currently insufficient to determine the role of this variant in disease. Therefore, it has been classified as a Variant of Uncertain Significance.

NM_002905.5(RDH5):c.190G>A (p.Gly64Arg)

Genes: BLOC1S1-RDH5 (BLOC1S1-RDH5 readthrough; plus strand), RDH5 (retinol dehydrogenase 5; plus strand). Cytogenetic location: 12q13.2.
Variant type: single nucleotide variant.
Coding change: c.190G>A on transcript NM_002905.5 (MANE Select); coding-DNA position 190, G replaced by A.
Protein change: p.Gly64Arg; replaces glycine 64 with arginine.
Molecular consequence: missense variant.
Genome position (GRCh38, 1-based): chr12:55,721,374, G>A. VCF-style: chr12-55721374-G-A. GRCh37 (hg19) VCF-style: chr12-56115158-G-A.
Other names: c.190G>A, p.Gly64Arg (NM_001199771.3); short protein forms G64R.
Identifiers: ClinVar variation 944300 (VCV000944300.9), dbSNP rs753970388, ClinGen allele CA6616765.
Genomic context (GRCh38, chr12:55,721,374, plus strand): 5'-CTGGCACTGCAGCTGGACCAGAGAGGCTTCCGAGTCCTGGCCAGCTGCCTGACCCCCTCC[G>A]GGGCCGAGGACCTGCAGCGGGTGGCCTCCTCCCGCCTCCACACCACCCTGTTGGATATCA-3'
Protein context (NP_002896.2, residues 54-74): RVLASCLTPS[Gly64Arg]AEDLQRVASS